The following is an entry in ClinVar:

NM_175634.3(RUNX1T1):c.575T>C (p.Leu192Pro)

Gene: RUNX1T1 (RUNX1 partner transcriptional co-repressor 1; minus strand). Cytogenetic location: 8q21.3.
Variant type: single nucleotide variant.
Coding change: c.575T>C on transcript NM_175634.3 (MANE Select); coding-DNA position 575, T replaced by C.
Protein change: p.Leu192Pro; replaces leucine 192 with proline.
Molecular consequence: missense variant.
Genome position (GRCh38, 1-based): chr8:92,005,281, A>G on the plus strand (T>C on the coding strand, the complement: RUNX1T1 is on the minus strand). VCF-style: chr8-92005281-A-G. GRCh37 (hg19) VCF-style: chr8-93017509-A-G.
Other names: c.494T>C, p.Leu165Pro (NM_001198625.2, NM_001198632.2, NM_004349.4); c.575T>C, p.Leu192Pro (NM_001198626.2, NM_001198627.2, NM_001198628.2 and 3 more transcripts); c.515T>C, p.Leu172Pro (NM_001198633.2); c.608T>C, p.Leu203Pro (NM_001198634.2); c.752T>C, p.Leu251Pro (NM_001198679.3); c.659T>C, p.Leu220Pro (NM_001395209.1); c.464T>C, p.Leu155Pro (NM_175635.3, NM_175636.2); short protein forms L155P, L165P, L172P, L192P, L203P, L220P, L251P.
Identifiers: ClinVar variation 3381458 (VCV003381458.1).
Genomic context (GRCh38, chr8:92,005,281, plus strand): 5'-GCGAGGTACTGGGCAGGGTTCTGTTTGGCCAGTCTTGCGCAGTGGAGGAGCTCACGCTGC[A>G]GCAGGGGCAAGTTGGCCTGCAAGGGAATGACAGGAATGAGAGGACGGACTGAAAGTTTTC-3'
Protein context (NP_783552.1, residues 182-202): IPFLKANLPL[Leu192Pro]QRELLHCARL

ClinVar aggregate classification (germline): Uncertain significance (1 of 4 stars; one submission).

Submission:

GeneDx
Classification: Uncertain significance. Last evaluated: 2023-12-06. Review status: criteria provided, single submitter. Criteria: GeneDx Variant Classification Process June 2021. Collection method: clinical testing. Allele origin: germline. Affected: yes.
Comment: Not observed at significant frequency in large population cohorts (gnomAD); In silico analysis supports that this missense variant has a deleterious effect on protein structure/function; Has not been previously published as pathogenic or benign to our knowledge; Variants in candidate genes are classified as variants of uncertain significance in accordance with ACMG guidelines (PMID: 25741868)